The following is an entry in ClinVar:

NM_001999.4(FBN2):c.6512-3T>C

Gene: FBN2 (fibrillin 2; minus strand). Cytogenetic location: 5q23.3.
Variant type: single nucleotide variant.
Coding change: c.6512-3T>C on transcript NM_001999.4 (MANE Select); 3 bases into the intron before coding-DNA position 6512, T replaced by C.
Molecular consequence: intron variant.
Genome position (GRCh38, 1-based): chr5:128,289,255, A>G on the plus strand (T>C on the coding strand, the complement: FBN2 is on the minus strand). VCF-style: chr5-128289255-A-G. GRCh37 (hg19) VCF-style: chr5-127624947-A-G.
Identifiers: ClinVar variation 258522 (VCV000258522.10), dbSNP rs764271022, ClinGen allele CA3394381.

ClinVar aggregate classification (germline): Conflicting classifications of pathogenicity. Review status: criteria provided, conflicting classifications (1 of 4 stars). 4 submissions from 4 submitters: Uncertain significance (2); Likely benign (2). Last evaluated 2025-09-14.

Conditions:
Familial thoracic aortic aneurysm and aortic dissection (TAAD). Also called: Thoracic aortic aneurysms and dissections. Identifiers: Orphanet 91387, MedGen C4707243, MONDO:0019625.
Congenital contractural arachnodactyly (CCA). Also called: BEALS SYNDROME; Arthrogryposis, distal, type 9; Beals-Hecht syndrome. Identifiers: Orphanet 115, MedGen C0220668, MONDO:0007363, OMIM 121050.

Allele frequency attached by ClinVar (database versions not stated): gnomAD exomes below 0.00001 and 0.00001; ExAC 0.00001; gnomAD 0.00001; TOPMed 0.00001.
gnomAD v4.1: 23 of 1,613,664 alleles (0.0014%); highest among the groups gnomAD compares: Non-Finnish European, 0.0018%; no homozygotes.

Submissions (4):

Labcorp Genetics (formerly Invitae), Labcorp
Classification: Uncertain significance for Congenital contractural arachnodactyly. Last evaluated: 2025-09-14. Review status: criteria provided, single submitter. Criteria: Invitae Variant Classification Sherloc (09022015). Collection method: clinical testing. Allele origin: germline.
Comment: This sequence change falls in intron 51 of the FBN2 gene. It does not directly change the encoded amino acid sequence of the FBN2 protein. It affects a nucleotide within the consensus splice site. This variant is not present in population databases (gnomAD no frequency). This variant has not been reported in the literature in individuals affected with FBN2-related conditions. ClinVar contains an entry for this variant (Variation ID: 258522). Variants that disrupt the consensus splice site are a relatively common cause of aberrant splicing (PMID: 17576681, 9536098). Algorithms developed to predict the effect of sequence changes on RNA splicing suggest that this variant is not likely to affect RNA splicing. In summary, the available evidence is currently insufficient to determine the role of this variant in disease. Therefore, it has been classified as a Variant of Uncertain Significance.

Ambry Genetics
Classification: Uncertain significance for Familial thoracic aortic aneurysm and aortic dissection. Last evaluated: 2025-07-03. Review status: criteria provided, single submitter. Criteria: Ambry Variant Classification Scheme 2023. Collection method: clinical testing. Allele origin: germline.
Comment: The c.6512-3T>C intronic variant results from a T to C substitution 3 nucleotides upstream from coding exon 52 in the FBN2 gene. This nucleotide position is not well conserved in available vertebrate species. In silico splice site analysis predicts that this alteration will not have any significant effect on splicing. Based on the available evidence, the clinical significance of this variant remains unclear.

GeneDx
Classification: Likely benign. Last evaluated: 2020-01-08. Review status: criteria provided, single submitter. Criteria: GeneDx Variant Classification Process June 2021. Collection method: clinical testing. Allele origin: germline. Affected: yes.

PreventionGenetics, part of Exact Sciences
Classification: Likely benign. Review status: criteria provided, single submitter. Criteria: ACMG Guidelines, 2015. Collection method: clinical testing. Allele origin: germline.

Literature cited by the submitters: PubMed 17576681 (cited by Labcorp Genetics (formerly Invitae), Labcorp); PubMed 9536098 (cited by Labcorp Genetics (formerly Invitae), Labcorp).